The following is an entry in ClinVar:

NM_000038.6(APC):c.835-15G>A

Gene: APC (APC regulator of Wnt signaling pathway; plus strand). Cytogenetic location: 5q22.2.
Variant type: single nucleotide variant.
Coding change: c.835-15G>A on transcript NM_000038.6 (MANE Select); 15 bases into the intron before coding-DNA position 835, G replaced by A.
Molecular consequence: intron variant.
Genome position (GRCh38, 1-based): chr5:112,815,480, G>A. VCF-style: chr5-112815480-G-A. GRCh37 (hg19) VCF-style: chr5-112151177-G-A.
Other names: c.835-15G>A (NM_001354895.2, NM_001127510.3, NM_001354896.2 and 1 more transcripts); c.865-15G>A (NM_001354897.2, NM_001354902.2); c.781-15G>A (NM_001127511.3); c.760-15G>A (NM_001354898.2, NM_001354904.2); c.-15-15G>A (NM_001354906.2); c.751-15G>A (NM_001354899.2); c.658-15G>A (NM_001354900.2, NM_001354901.2, NM_001354905.2).
Identifiers: ClinVar variation 381344 (VCV000381344.12), dbSNP rs1057521022, ClinGen allele CA16604764.
Genomic context (GRCh38, chr5:112,815,480, plus strand): 5'-GAGTACCTTAACATGATGTTATCTGTATTTACCTATAGTCTAAATTATACCATCTATAAT[G>A]TGCTTAATTTTTAGGGTTCAACTACACGAATGGACCATGAAACAGCCAGTGTTTTGAGTT-3'

ClinVar aggregate classification (germline): Likely benign. Review status: criteria provided, multiple submitters, no conflicts (2 of 4 stars). 5 submissions from 5 submitters: Likely benign (4). 1 of the submissions does not count toward it. Last evaluated 2024-04-15.

Conditions:
Familial adenomatous polyposis 1 (FAP1). Also called: FAMILIAL ADENOMATOUS POLYPOSIS 1, ATTENUATED; POLYPOSIS, ADENOMATOUS INTESTINAL. Identifiers: MedGen C2713442, MONDO:0021056, OMIM 175100. Disease mechanism: loss of function.
Hereditary cancer-predisposing syndrome. Also called: Tumor predisposition; Hereditary neoplastic syndrome; Neoplastic Syndromes, Hereditary; Hereditary Cancer Syndrome. Identifiers: Orphanet 140162, MedGen C0027672, MeSH D009386, MONDO:0015356.

Allele frequency attached by ClinVar (database versions not stated): TOPMed below 0.00001.
gnomAD v4.1: 3 of 1,591,342 alleles (0.00019%); highest among the groups gnomAD compares: Non-Finnish European, 0.00026%; no homozygotes.

Submissions (5):

Labcorp Genetics (formerly Invitae), Labcorp
Classification: Likely benign for Familial adenomatous polyposis 1. Last evaluated: 2024-04-15. Review status: criteria provided, single submitter. Criteria: Invitae Variant Classification Sherloc (09022015). Collection method: clinical testing. Allele origin: germline.

Myriad Genetics, Inc.
Classification: Likely benign for Familial adenomatous polyposis 1. Last evaluated: 2023-02-15. Review status: criteria provided, single submitter. Criteria: Myriad Autosomal Dominant, Autosomal Recessive and X-Linked Classification Criteria (2023). Collection method: clinical testing. Allele origin: unknown.
Comment: This variant is considered likely benign. This variant is intronic and is not expected to impact mRNA splicing.

Color Diagnostics, LLC DBA Color Health
Classification: Likely benign for Hereditary cancer-predisposing syndrome. Last evaluated: 2019-03-19. Review status: criteria provided, single submitter. Criteria: ACMG Guidelines, 2015. Collection method: clinical testing. Allele origin: germline.

GeneDx
Classification: Likely benign. Last evaluated: 2015-11-04. Review status: criteria provided, single submitter. Criteria: GeneDx Variant Classification (06012015). Collection method: clinical testing. Allele origin: germline. Affected: yes.
Comment: This variant is considered likely benign or benign based on one or more of the following criteria: it is a conservative change, it occurs at a poorly conserved position in the protein, it is predicted to be benign by multiple in silico algorithms, and/or has population frequency not consistent with disease.

Counsyl
Classification: Likely benign for Familial adenomatous polyposis 1. Last evaluated: 2018-01-08. Review status: no assertion criteria provided. Collection method: clinical testing. Allele origin: unknown. Not counted in ClinVar's aggregate classification.